The following is an entry in ClinVar:

ClinVar aggregate classification (germline): Uncertain significance (1 of 4 stars; one submission).

Submission:

Labcorp Genetics (formerly Invitae), Labcorp
Classification: Uncertain significance. Last evaluated: 2025-12-19. Review status: criteria provided, single submitter. Criteria: Invitae Variant Classification Sherloc (09022015). Collection method: clinical testing. Allele origin: germline.
Comment: This sequence change replaces valine, which is neutral and non-polar, with methionine, which is neutral and non-polar, at codon 179 of the TUBB2A protein (p.Val179Met). This variant is not present in population databases (gnomAD no frequency). This variant has not been reported in the literature in individuals affected with TUBB2A-related conditions. Invitae Evidence Modeling of protein sequence and biophysical properties (such as structural, functional, and spatial information, amino acid conservation, physicochemical variation, residue mobility, and thermodynamic stability) indicates that this missense variant is expected to disrupt TUBB2A protein function with a positive predictive value of 80%. In summary, the available evidence is currently insufficient to determine the role of this variant in disease. Therefore, it has been classified as a Variant of Uncertain Significance.

NM_001069.3(TUBB2A):c.535G>A (p.Val179Met)

Gene: TUBB2A (tubulin beta 2A class IIa; minus strand). Cytogenetic location: 6p25.2.
Variant type: single nucleotide variant.
Coding change: c.535G>A on transcript NM_001069.3 (MANE Select); coding-DNA position 535, G replaced by A.
Protein change: p.Val179Met; replaces valine 179 with methionine.
Molecular consequence: missense variant.
Genome position (GRCh38, 1-based): chr6:3,154,666, C>T on the plus strand (G>A on the coding strand, the complement: TUBB2A is on the minus strand). VCF-style: chr6-3154666-C-T. GRCh37 (hg19) VCF-style: chr6-3154900-C-T.
Other names: c.280G>A, p.Val94Met (NM_001310315.2); short protein forms V179M, V94M.
Identifiers: ClinVar variation 4740236 (VCV004740236.1).